The following is an entry in ClinVar:

ClinVar aggregate classification (germline): Uncertain significance (1 of 4 stars; one submission).

Allele frequency attached by ClinVar (database versions not stated): gnomAD exomes below 0.00001 and 0.00001; gnomAD 0.00001; TOPMed 0.00002.
gnomAD v4.1: 7 of 1,608,592 alleles (0.00044%); highest among the groups gnomAD compares: African/African-American, 0.0013%; no homozygotes.

Submission:

Labcorp Genetics (formerly Invitae), Labcorp
Classification: Uncertain significance. Last evaluated: 2022-08-31. Review status: criteria provided, single submitter. Criteria: Invitae Variant Classification Sherloc (09022015). Collection method: clinical testing. Allele origin: germline.
Comment: This sequence change replaces tyrosine, which is neutral and polar, with cysteine, which is neutral and slightly polar, at codon 4926 of the ADGRV1 protein (p.Tyr4926Cys). This variant is present in population databases (no rsID available, gnomAD 0.002%). This variant has not been reported in the literature in individuals affected with ADGRV1-related conditions. ClinVar contains an entry for this variant (Variation ID: 1356749). Algorithms developed to predict the effect of missense changes on protein structure and function are either unavailable or do not agree on the potential impact of this missense change (SIFT: "Deleterious"; PolyPhen-2: "Probably Damaging"; Align-GVGD: "Class C0"). In summary, the available evidence is currently insufficient to determine the role of this variant in disease. Therefore, it has been classified as a Variant of Uncertain Significance.

NM_032119.4(ADGRV1):c.14777A>G (p.Tyr4926Cys)

Gene: ADGRV1 (adhesion G protein-coupled receptor V1; plus strand). Cytogenetic location: 5q14.3.
Variant type: single nucleotide variant.
Coding change: c.14777A>G on transcript NM_032119.4 (MANE Select); coding-DNA position 14777, A replaced by G.
Protein change: p.Tyr4926Cys; replaces tyrosine 4926 with cysteine.
Molecular consequence: missense variant. On other transcripts: non-coding transcript variant (1).
Genome position (GRCh38, 1-based): chr5:90,805,399, A>G. VCF-style: chr5-90805399-A-G. GRCh37 (hg19) VCF-style: chr5-90101216-A-G.
Other names: short protein forms Y4926C.
Identifiers: ClinVar variation 1356749 (VCV001356749.3), dbSNP rs1299704405, ClinGen allele CA360406311.